The following is an entry in ClinVar:

ClinVar aggregate classification (germline): Uncertain significance (1 of 4 stars; one submission).

Submission:

Ambry Genetics
Classification: Uncertain significance. Last evaluated: 2022-06-20. Review status: criteria provided, single submitter. Criteria: Ambry Variant Classification Scheme 2023. Collection method: clinical testing. Allele origin: germline.
Comment: The p.C630S variant (also known as c.1889G>C), located in coding exon 3 of the ALPK2 gene, results from a G to C substitution at nucleotide position 1889. The cysteine at codon 630 is replaced by serine, an amino acid with dissimilar properties. This amino acid position is conserved. In addition, this alteration is predicted to be tolerated by in silico analysis. Since supporting evidence is limited at this time, the clinical significance of this alteration remains unclear.

NM_052947.4(ALPK2):c.1889G>C (p.Cys630Ser)

Gene: ALPK2 (alpha kinase 2; minus strand). Cytogenetic location: 18q21.31.
Variant type: single nucleotide variant.
Coding change: c.1889G>C on transcript NM_052947.4 (MANE Select); coding-DNA position 1889, G replaced by C.
Protein change: p.Cys630Ser; replaces cysteine 630 with serine.
Molecular consequence: missense variant.
Genome position (GRCh38, 1-based): chr18:58,578,887, C>G on the plus strand (G>C on the coding strand, the complement: ALPK2 is on the minus strand). VCF-style: chr18-58578887-C-G. GRCh37 (hg19) VCF-style: chr18-56246119-C-G.
Other names: short protein forms C630S.
Identifiers: ClinVar variation 1782028 (VCV001782028.2), dbSNP rs1489270952, ClinGen allele CA402559622.